The following is an entry in ClinVar:

ClinVar aggregate classification (germline): Uncertain significance (1 of 4 stars; one submission).

Conditions:
Hereditary pancreatitis (PCTT). Also called: Hereditary chronic pancreatitis; PRSS1-Related Hereditary Pancreatitis. Identifiers: Orphanet 676, MedGen C0238339, MONDO:0008185, OMIM 167800.

Submission:

Ambry Genetics
Classification: Uncertain significance for Hereditary pancreatitis. Last evaluated: 2025-03-24. Review status: criteria provided, single submitter. Criteria: Ambry Variant Classification Scheme 2023. Collection method: clinical testing. Allele origin: germline.
Comment: The p.G233D variant (also known as c.698G>A), located in coding exon 7 of the CTRC gene, results from a G to A substitution at nucleotide position 698. The glycine at codon 233 is replaced by aspartic acid, an amino acid with similar properties. This amino acid position is conserved. In addition, this alteration is predicted to be deleterious by in silico analysis. Since supporting evidence is limited at this time, the clinical significance of this alteration remains unclear.

NM_007272.3(CTRC):c.698G>A (p.Gly233Asp)

Gene: CTRC (chymotrypsin C; plus strand). Cytogenetic location: 1p36.21.
Variant type: single nucleotide variant.
Coding change: c.698G>A on transcript NM_007272.3 (MANE Select); coding-DNA position 698, G replaced by A.
Protein change: p.Gly233Asp; replaces glycine 233 with aspartic acid.
Molecular consequence: missense variant.
Genome position (GRCh38, 1-based): chr1:15,445,655, G>A. VCF-style: chr1-15445655-G-A. GRCh37 (hg19) VCF-style: chr1-15772150-G-A.
Other names: short protein forms G233D.
Identifiers: ClinVar variation 1756465 (VCV001756465.3), dbSNP rs1238186041, ClinGen allele CA338567795.
Genomic context (GRCh38, chr1:15,445,655, plus strand): 5'-AGGGGGACTCCGGTGGCCCACTGAACTGCCAGTTGGAGAACGGTTCCTGGGAGGTGTTTG[G>A]CATCGTCAGCTTTGGCTCCCGGCGGGGCTGCAACACCCGCAAGAAGCCGGTAGTCTACAC-3'
Protein context (NP_009203.2, residues 223-243): QLENGSWEVF[Gly233Asp]IVSFGSRRGC